The following is an entry in ClinVar:

NM_000051.4(ATM):c.854T>C (p.Leu285Pro)

Gene: ATM (ATM serine/threonine kinase; plus strand). Cytogenetic location: 11q22.3.
Variant type: single nucleotide variant.
Coding change: c.854T>C on transcript NM_000051.4 (MANE Select); coding-DNA position 854, T replaced by C.
Protein change: p.Leu285Pro; replaces leucine 285 with proline.
Molecular consequence: missense variant.
Genome position (GRCh38, 1-based): chr11:108,244,979, T>C. VCF-style: chr11-108244979-T-C. GRCh37 (hg19) VCF-style: chr11-108115706-T-C.
Other names: c.854T>C, p.Leu285Pro (NM_001351834.2); short protein forms L285P.
Identifiers: ClinVar variation 822546 (VCV000822546.13), dbSNP rs864622605, ClinGen allele CA382529488.
Genomic context (GRCh38, chr11:108,244,979, plus strand): 5'-TTTGGACTCAACATAGGCTTAATGATTCTTTAAAAGAAGTCATTATTGAATTATTTCAAC[T>C]GCAAATTTATATCCATCATCCGAAAGGAGCCAAAACCCAAGAAAAAGGTATAAAGGAAAT-3'
Protein context (NP_000042.3, residues 275-295): LKEVIIELFQ[Leu285Pro]QIYIHHPKGA

ClinVar aggregate classification (germline): Uncertain significance. Review status: criteria provided, multiple submitters, no conflicts (2 of 4 stars). 2 submissions from 2 submitters: Uncertain significance (2). Last evaluated 2024-10-25.

Conditions:
Ataxia-telangiectasia syndrome (AT). Also called: Cerebello-oculocutaneous telangiectasia; Immunodeficiency with ataxia telangiectasia; Ataxia-telangiectasia, complementation group E; Ataxia-telangiectasia, complementation group D; AT, COMPLEMENTATION GROUP C; ATAXIA-TELANGIECTASIA, COMPLEMENTATION GROUP A. Identifiers: Orphanet 100, MedGen C0004135, MONDO:0008840, OMIM 208900.
Hereditary cancer-predisposing syndrome. Also called: Hereditary Cancer Syndrome; Neoplastic Syndromes, Hereditary; Hereditary neoplastic syndrome; Tumor predisposition. Identifiers: Orphanet 140162, MedGen C0027672, MeSH D009386, MONDO:0015356.

Submissions (2):

Ambry Genetics
Classification: Uncertain significance for Hereditary cancer-predisposing syndrome. Last evaluated: 2024-10-25. Review status: criteria provided, single submitter. Criteria: Ambry Variant Classification Scheme 2023. Collection method: clinical testing. Allele origin: germline.
Comment: The p.L285P variant (also known as c.854T>C), located in coding exon 6 of the ATM gene, results from a T to C substitution at nucleotide position 854. The leucine at codon 285 is replaced by proline, an amino acid with similar properties. This amino acid position is highly conserved in available vertebrate species. In addition, this alteration is predicted to be deleterious by in silico analysis. Based on the available evidence, the clinical significance of this variant remains unclear.

Labcorp Genetics (formerly Invitae), Labcorp
Classification: Uncertain significance for Ataxia-telangiectasia syndrome. Last evaluated: 2024-06-22. Review status: criteria provided, single submitter. Criteria: Invitae Variant Classification Sherloc (09022015). Collection method: clinical testing. Allele origin: germline.
Comment: This sequence change replaces leucine, which is neutral and non-polar, with proline, which is neutral and non-polar, at codon 285 of the ATM protein (p.Leu285Pro). This variant is not present in population databases (gnomAD no frequency). This variant has not been reported in the literature in individuals affected with ATM-related conditions. ClinVar contains an entry for this variant (Variation ID: 822546). An algorithm developed to predict the effect of missense changes on protein structure and function (PolyPhen-2) suggests that this variant is likely to be disruptive. In summary, the available evidence is currently insufficient to determine the role of this variant in disease. Therefore, it has been classified as a Variant of Uncertain Significance.